The following is an entry in ClinVar:

NM_003718.5(CDK13):c.3812C>T (p.Thr1271Ile)

Gene: CDK13 (cyclin dependent kinase 13; plus strand). Cytogenetic location: 7p14.1.
Variant type: single nucleotide variant.
Coding change: c.3812C>T on transcript NM_003718.5 (MANE Select); coding-DNA position 3812, C replaced by T.
Protein change: p.Thr1271Ile; replaces threonine 1271 with isoleucine.
Molecular consequence: missense variant.
Genome position (GRCh38, 1-based): chr7:40,094,253, C>T. VCF-style: chr7-40094253-C-T. GRCh37 (hg19) VCF-style: chr7-40133852-C-T.
Other names: c.3632C>T, p.Thr1211Ile (NM_031267.4); short protein forms T1271I, T1211I.
Identifiers: ClinVar variation 2237490 (VCV002237490.6), dbSNP rs769769638, ClinGen allele CA4229015.

ClinVar aggregate classification (germline): Uncertain significance. Review status: criteria provided, multiple submitters, no conflicts (2 of 4 stars). 2 submissions from 2 submitters: Uncertain significance (2). Last evaluated 2026-08-31.

Conditions:
Inborn genetic diseases. Identifiers: MedGen C0950123, MeSH D030342.

Allele frequency attached by ClinVar (database versions not stated): ExAC 0.00001.

Submissions (2):

Ambry Genetics
Classification: Uncertain significance for Inborn genetic diseases. Last evaluated: 2026-08-31. Review status: criteria provided, single submitter. Criteria: Ambry Variant Classification Scheme 2023. Collection method: clinical testing. Allele origin: germline.
Comment: The c.3812C>T (p.T1271I) alteration is located in exon 14 (coding exon 14) of the CDK13 gene. This alteration results from a C to T substitution at nucleotide position 3812, causing the threonine (T) at amino acid position 1271 to be replaced by an isoleucine (I). Based on data from gnomAD, the T allele has an overall frequency of <0.001% (1/249460) total alleles studied. The highest observed frequency was 0.001% (1/112830) of European (non-Finnish) alleles. This amino acid position is well conserved in available vertebrate species. This alteration is predicted to be tolerated by in silico analysis. Based on insufficient or conflicting evidence, the clinical significance of this alteration remains unclear.

Labcorp Genetics (formerly Invitae), Labcorp
Classification: Uncertain significance. Last evaluated: 2023-05-20. Review status: criteria provided, single submitter. Criteria: Invitae Variant Classification Sherloc (09022015). Collection method: clinical testing. Allele origin: germline.
Comment: In summary, the available evidence is currently insufficient to determine the role of this variant in disease. Therefore, it has been classified as a Variant of Uncertain Significance. Advanced modeling of protein sequence and biophysical properties (such as structural, functional, and spatial information, amino acid conservation, physicochemical variation, residue mobility, and thermodynamic stability) performed at Invitae indicates that this missense variant is not expected to disrupt CDK13 protein function. ClinVar contains an entry for this variant (Variation ID: 2237490). This variant has not been reported in the literature in individuals affected with CDK13-related conditions. This variant is present in population databases (rs769769638, gnomAD 0.0009%). This sequence change replaces threonine, which is neutral and polar, with isoleucine, which is neutral and non-polar, at codon 1271 of the CDK13 protein (p.Thr1271Ile).

Literature cited by the submitters: PubMed 28106320 (cited by Ambry Genetics).